The following is an entry in ClinVar:

ClinVar aggregate classification (germline): Likely pathogenic (1 of 4 stars; one submission).

Conditions:
Usher syndrome type 1 (USH1). Also called: RETINITIS PIGMENTOSA AND CONGENITAL DEAFNESS. Identifiers: Orphanet 231169, Orphanet 886, MedGen C1568247, MONDO:0010168, OMIM 276900.

gnomAD v4.1: 1 of 946,106 alleles (0.00011%); highest among the groups gnomAD compares: Admixed American, 0.0019%; no homozygotes.

Submission:

Natera, Inc.
Classification: Likely pathogenic for Usher syndrome type 1. Last evaluated: 2024-12-07. Review status: criteria provided, single submitter. Criteria: Natera Variant Classification Schema (03/2026). Collection method: clinical testing. Allele origin: germline.
Comment: The c.8064+1G>C variant in CDH23 is a canonical splice donor site variant predicted to affect pre-mRNA splicing, which may result in an abnormal transcript and altered protein product. This variant is expected to result in nonsense mediated decay, truncation, or a dysfunctional protein product. This variant is rare in the general population with a frequency below the threshold expected for the associated phenotype(s). Given the available evidence, this variant is classified as Likely Pathogenic.

NM_022124.6(CDH23):c.8064+1G>C

Genes: CDH23 (cadherin related 23; plus strand), LOC111982869 (Sharpr-MPRA regulatory region 2121; plus strand). Cytogenetic location: 10q22.1.
Variant type: single nucleotide variant.
Coding change: c.8064+1G>C on transcript NM_022124.6 (MANE Select); the canonical splice donor site of the intron after coding-DNA position 8064, G replaced by C.
Molecular consequence: splice donor variant.
Genome position (GRCh38, 1-based): chr10:71,805,998, G>C. VCF-style: chr10-71805998-G-C. GRCh37 (hg19) VCF-style: chr10-73565755-G-C.
Other names: c.1344+1G>C (NM_001171933.1, NM_001171934.1).
Identifiers: ClinVar variation 4816095 (VCV004816095.1).